The following is an entry in ClinVar:

ClinVar aggregate classification (germline): Uncertain significance. Review status: criteria provided, multiple submitters, no conflicts (2 of 4 stars). 2 submissions from 2 submitters: Uncertain significance (2). Last evaluated 2025-10-01.

Conditions:
Microcephaly, normal intelligence and immunodeficiency (NBS). Also called: IMMUNODEFICIENCY, MICROCEPHALY, AND CHROMOSOMAL INSTABILITY; Immunodeficiency, microcephaly with normal intelligence; BERLIN BREAKAGE SYNDROME; SEEMANOVA SYNDROME II; Ataxia telangiectasia variant V1; Nijmegen breakage syndrome. Identifiers: Orphanet 647, MedGen C0398791, MONDO:0009623, OMIM 251260.
Hereditary cancer-predisposing syndrome. Also called: Hereditary Cancer Syndrome; Tumor predisposition; Neoplastic Syndromes, Hereditary; Hereditary neoplastic syndrome. Identifiers: Orphanet 140162, MedGen C0027672, MeSH D009386, MONDO:0015356.

Submissions (2):

Labcorp Genetics (formerly Invitae), Labcorp
Classification: Uncertain significance for Microcephaly, normal intelligence and immunodeficiency. Last evaluated: 2025-10-01. Review status: criteria provided, single submitter. Criteria: Invitae Variant Classification Sherloc (09022015). Collection method: clinical testing. Allele origin: germline.
Comment: This sequence change replaces serine, which is neutral and polar, with threonine, which is neutral and polar, at codon 509 of the NBN protein (p.Ser509Thr). This variant is not present in population databases (gnomAD no frequency). This variant has not been reported in the literature in individuals affected with NBN-related conditions. ClinVar contains an entry for this variant (Variation ID: 2101149). An algorithm developed to predict the effect of missense changes on protein structure and function outputs the following: PolyPhen-2: "Benign". The threonine amino acid residue is found in multiple mammalian species, which suggests that this missense change does not adversely affect protein function. In summary, the available evidence is currently insufficient to determine the role of this variant in disease. Therefore, it has been classified as a Variant of Uncertain Significance.

Ambry Genetics
Classification: Uncertain significance for Hereditary cancer-predisposing syndrome. Last evaluated: 2024-10-24. Review status: criteria provided, single submitter. Criteria: Ambry Variant Classification Scheme 2023. Collection method: clinical testing. Allele origin: germline.
Comment: The p.S509T variant (also known as c.1525T>A), located in coding exon 11 of the NBN gene, results from a T to A substitution at nucleotide position 1525. The serine at codon 509 is replaced by threonine, an amino acid with similar properties. This amino acid position is conserved. In addition, this alteration is predicted to be tolerated by in silico analysis. Based on the available evidence, the clinical significance of this variant remains unclear.

NM_002485.5(NBN):c.1525T>A (p.Ser509Thr)

Gene: NBN (nibrin; minus strand). Cytogenetic location: 8q21.3.
Variant type: single nucleotide variant.
Coding change: c.1525T>A on transcript NM_002485.5 (MANE Select); coding-DNA position 1525, T replaced by A.
Protein change: p.Ser509Thr; replaces serine 509 with threonine.
Molecular consequence: missense variant.
Genome position (GRCh38, 1-based): chr8:89,953,564, A>T on the plus strand (T>A on the coding strand, the complement: NBN is on the minus strand). VCF-style: chr8-89953564-A-T. GRCh37 (hg19) VCF-style: chr8-90965792-A-T.
Other names: c.1279T>A, p.Ser427Thr (NM_001024688.3); short protein forms S509T, S427T.
Identifiers: ClinVar variation 2101149 (VCV002101149.5), dbSNP rs1810552588, ClinGen allele CA371655671.